The following is an entry in ClinVar:

ClinVar aggregate classification (germline): Uncertain significance (1 of 4 stars; one submission).

gnomAD v4.1: 2 of 1,614,014 alleles (0.00012%); highest among the groups gnomAD compares: Non-Finnish European, 0.00017%; no homozygotes.

Submission:

GeneDx
Classification: Uncertain significance. Last evaluated: 2024-12-19. Review status: criteria provided, single submitter. Criteria: GeneDx Variant Classification Process June 2021. Collection method: clinical testing. Allele origin: germline. Affected: yes.
Comment: Not observed at significant frequency in large population cohorts (gnomAD); In silico analysis supports that this missense variant has a deleterious effect on protein structure/function; Has not been previously published as pathogenic or benign to our knowledge

NM_003660.4(PPFIA3):c.3394A>C (p.Lys1132Gln)

Genes: PPFIA3 (PTPRF interacting protein alpha 3; plus strand), LOC130064904 (ATAC-STARR-seq lymphoblastoid active region 14927; plus strand). Cytogenetic location: 19q13.33.
Variant type: single nucleotide variant.
Coding change: c.3394A>C on transcript NM_003660.4 (MANE Select); coding-DNA position 3394, A replaced by C.
Protein change: p.Lys1132Gln; replaces lysine 1132 with glutamine.
Molecular consequence: missense variant. On other transcripts: non-coding transcript variant (1).
Genome position (GRCh38, 1-based): chr19:49,149,586, A>C. VCF-style: chr19-49149586-A-C. GRCh37 (hg19) VCF-style: chr19-49652843-A-C.
Other names: short protein forms K1132Q.
Identifiers: ClinVar variation 3906837 (VCV003906837.1).